The following is an entry in ClinVar:

ClinVar aggregate classification (germline): Likely benign (1 of 4 stars; one submission).

Conditions:
Glycogen storage disease, type II (IOPD). Also called: Pompe Disease; CARDIOMEGALIA GLYCOGENICA DIFFUSA; GLYCOGENOSIS, GENERALIZED, CARDIAC FORM; GSD II; POMPE DISEASE, INFANTILE-ONSET; GLYCOGEN STORAGE DISEASE II, INFANTILE-ONSET. Identifiers: Orphanet 365, MedGen C0017921, MONDO:0009290, OMIM 232300.

gnomAD v4.1: 321 of 1,612,528 alleles (0.02%); highest among the groups gnomAD compares: Admixed American, 0.12%; 1 homozygote.

Submission:

Genomenon, Inc
Classification: Likely benign for Glycogen storage disease, type II. Last evaluated: 2026-07-01. Review status: criteria provided, single submitter. Criteria: Genomenon Sequence Variant Interpretation Standards - Updated. Collection method: curation. Allele origin: germline. Affected: no.
Comment: GAA c.1194+45G>A is an intronic variant located in intron 7. This variant has been reported in the published literature (PMID:37895316). It is absent or not present at a significant frequency in gnomAD. This variant is not predicted to impact splicing. In conclusion, we classify GAA c.1194+45G>A as a likely benign variant.

Literature cited by the submitters: PubMed 37895316.

NM_000152.5(GAA):c.1194+45G>A

Gene: GAA (alpha glucosidase; plus strand). Cytogenetic location: 17q25.3.
Variant type: single nucleotide variant.
Coding change: c.1194+45G>A on transcript NM_000152.5 (MANE Select); 45 bases into the intron after coding-DNA position 1194, G replaced by A.
Molecular consequence: intron variant.
Genome position (GRCh38, 1-based): chr17:80,108,652, G>A. VCF-style: chr17-80108652-G-A. GRCh37 (hg19) VCF-style: chr17-78082451-G-A.
Other names: c.1194+45G>A (NM_001406741.1, NM_001406742.1, NM_001079803.3 and 1 more transcripts).
Identifiers: ClinVar variation 4876518 (VCV004876518.1).
Genomic context (GRCh38, chr17:80,108,652, plus strand): 5'-GGCCCACTTCCCCCTGGTGAGTTGGGGTGGTGGCAGGGGAGGCAAGGGGCTGGCCGGGAC[G>A]CGTCTCCTCAGGCCCCAGCAGACGGTCCCGTGTTGTGGCTGCAGGACGTCCAGTGGAACG-3'